The following is an entry in ClinVar:

ClinVar aggregate classification (germline): Pathogenic (1 of 4 stars; one submission).

Conditions:
Congenital myasthenic syndrome 11. Also called: MYASTHENIC SYNDROME, CONGENITAL, Ie; Myasthenic syndrome, congenital, 11, associated with acetylcholine receptor deficiency. Identifiers: Orphanet 590, MedGen C4225367, MONDO:0014588, OMIM 616326.
Fetal akinesia deformation sequence 1 (FADS1). Also called: Pena-Shokeir syndrome type I; Fetal akinesia sequence. Identifiers: Orphanet 994, MedGen C1276035, MONDO:0100101, OMIM 208150, HP:0001989.

Submission:

Labcorp Genetics (formerly Invitae), Labcorp
Classification: Pathogenic for Congenital myasthenic syndrome 11; Fetal akinesia deformation sequence 1. Last evaluated: 2023-10-14. Review status: criteria provided, single submitter. Criteria: Invitae Variant Classification Sherloc (09022015). Collection method: clinical testing. Allele origin: germline.
Comment: This sequence change creates a premature translational stop signal (p.Cys295*) in the RAPSN gene. It is expected to result in an absent or disrupted protein product. Loss-of-function variants in RAPSN are known to be pathogenic (PMID: 17686188). This variant is not present in population databases (gnomAD no frequency). This variant has not been reported in the literature in individuals affected with RAPSN-related conditions. For these reasons, this variant has been classified as Pathogenic.

Literature cited by the submitters: PubMed 17686188.

NM_005055.5(RAPSN):c.885C>A (p.Cys295Ter)

Gene: RAPSN (receptor associated protein of the synapse; minus strand). Cytogenetic location: 11p11.2.
Variant type: single nucleotide variant.
Coding change: c.885C>A on transcript NM_005055.5 (MANE Select); coding-DNA position 885, C replaced by A.
Protein change: p.Cys295Ter; replaces cysteine 295 with a stop codon.
Molecular consequence: nonsense. On other transcripts: intron variant (1).
Genome position (GRCh38, 1-based): chr11:47,441,638, G>T on the plus strand (C>A on the coding strand, the complement: RAPSN is on the minus strand). VCF-style: chr11-47441638-G-T. GRCh37 (hg19) VCF-style: chr11-47463190-G-T.
Other names: c.789+185C>A (NM_032645.5); short protein forms C295*.
Identifiers: ClinVar variation 2952882 (VCV002952882.3), dbSNP rs2496099964, ClinGen allele CA380329013.